The following is an entry in ClinVar:

ClinVar aggregate classification (germline): Benign. Review status: criteria provided, multiple submitters, no conflicts (2 of 4 stars). 2 submissions from 2 submitters: Benign (2). Last evaluated 2018-06-19.

Allele frequency attached by ClinVar (database versions not stated): TOPMed 0.06038; gnomAD 0.06159 and 0.06460; 1000 Genomes Project 30x 0.08901; 1000 Genomes Project 0.09485.
gnomAD v4.1: 9,832 of 152,188 alleles (6.5%); highest among the groups gnomAD compares: East Asian, 15%; 387 homozygotes.

Submissions (2):

GeneDx
Classification: Benign. Last evaluated: 2018-06-19. Review status: criteria provided, single submitter. Criteria: GeneDx Variant Classification (06012015). Collection method: clinical testing. Allele origin: germline. Affected: yes.
Comment: This variant is considered likely benign or benign based on one or more of the following criteria: it is a conservative change, it occurs at a poorly conserved position in the protein, it is predicted to be benign by multiple in silico algorithms, and/or has population frequency not consistent with disease.

Breakthrough Genomics
Classification: Benign. Review status: criteria provided, single submitter. Criteria: ACMG Guidelines, 2015. Collection method: not provided. Allele origin: germline. Inheritance: Autosomal recessive inheritance. Affected: yes.

NM_000302.4(PLOD1):c.467-271A>G

Gene: PLOD1 (procollagen-lysine,2-oxoglutarate 5-dioxygenase 1; plus strand). Cytogenetic location: 1p36.22.
Variant type: single nucleotide variant.
Coding change: c.467-271A>G on transcript NM_000302.4 (MANE Select); 271 bases into the intron before coding-DNA position 467, A replaced by G.
Molecular consequence: intron variant.
Genome position (GRCh38, 1-based): chr1:11,952,352, A>G. VCF-style: chr1-11952352-A-G. GRCh37 (hg19) VCF-style: chr1-12012409-A-G.
Other names: c.608-271A>G (NM_001316320.2).
Identifiers: ClinVar variation 669464 (VCV000669464.2), dbSNP rs2273286, ClinGen allele CA18000047.
Genomic context (GRCh38, chr1:11,952,352, plus strand): 5'-GTATCCTCCCAGCCCTGCTCTCCAGGGGCTCCTCGTACAATCCGTTTCTTCACCACCTAT[A>G]TGGTGCCCAGCACTGAACAGTACAGCTTAGTGGGCACCATTGGTCTTATTCTTGGGGTCA-3'